The following is an entry in ClinVar:

NM_006757.4(TNNT3):c.643T>C (p.Phe215Leu)

Gene: TNNT3 (troponin T3, fast skeletal type; plus strand). Cytogenetic location: 11p15.5.
Variant type: single nucleotide variant.
Coding change: c.643T>C on transcript NM_006757.4 (MANE Select); coding-DNA position 643, T replaced by C.
Protein change: p.Phe215Leu; replaces phenylalanine 215 with leucine.
Molecular consequence: missense variant.
Genome position (GRCh38, 1-based): chr11:1,934,881, T>C. VCF-style: chr11-1934881-T-C. GRCh37 (hg19) VCF-style: chr11-1956111-T-C.
Other names: c.619T>C, p.Phe207Leu (NM_001042780.3, NM_001042782.3, NM_001297646.2 and 2 more transcripts); c.637T>C, p.Phe213Leu (NM_001042781.3, NM_001367842.1, NM_001367843.1); c.652T>C, p.Phe218Leu (NM_001363561.2, NM_001367847.1); c.676T>C, p.Phe226Leu (NM_001367846.1); c.640T>C, p.Phe214Leu (NM_001367848.1); c.631T>C, p.Phe211Leu (NM_001367849.1); c.586T>C, p.Phe196Leu (NM_001367850.1); c.439T>C, p.Phe147Leu (NM_001367851.1, NM_001367852.1); short protein forms F196L, F207L, F213L, F147L, F214L, F218L, F226L, F215L.
Identifiers: ClinVar variation 1520003 (VCV001520003.8), dbSNP rs2133478502, ClinGen allele CA379098921.

ClinVar aggregate classification (germline): Uncertain significance (1 of 4 stars; one submission).

Allele frequency attached by ClinVar (database versions not stated): gnomAD exomes below 0.00001.

Submission:

Labcorp Genetics (formerly Invitae), Labcorp
Classification: Uncertain significance. Last evaluated: 2024-04-11. Review status: criteria provided, single submitter. Criteria: Invitae Variant Classification Sherloc (09022015). Collection method: clinical testing. Allele origin: germline.
Comment: This sequence change replaces phenylalanine, which is neutral and non-polar, with leucine, which is neutral and non-polar, at codon 215 of the TNNT3 protein (p.Phe215Leu). This variant is not present in population databases (gnomAD no frequency). This variant has not been reported in the literature in individuals affected with TNNT3-related conditions. ClinVar contains an entry for this variant (Variation ID: 1520003). An algorithm developed to predict the effect of missense changes on protein structure and function (PolyPhen-2) suggests that this variant is likely to be tolerated. In summary, the available evidence is currently insufficient to determine the role of this variant in disease. Therefore, it has been classified as a Variant of Uncertain Significance.